The following is an entry in ClinVar:

NM_000093.5(COL5A1):c.4384G>A (p.Gly1462Ser)

Gene: COL5A1 (collagen type V alpha 1 chain; plus strand). Cytogenetic location: 9q34.3.
Variant type: single nucleotide variant.
Coding change: c.4384G>A on transcript NM_000093.5 (MANE Select); coding-DNA position 4384, G replaced by A.
Protein change: p.Gly1462Ser; replaces glycine 1462 with serine.
Molecular consequence: missense variant.
Genome position (GRCh38, 1-based): chr9:134,818,893, G>A. VCF-style: chr9-134818893-G-A. GRCh37 (hg19) VCF-style: chr9-137710739-G-A.
Other names: c.4384G>A, p.Gly1462Ser (NM_001278074.1); c.4384G>A (NM_000093.3); short protein forms G1462S.
Identifiers: ClinVar variation 3714530 (VCV003714530.3).

ClinVar aggregate classification (germline): Conflicting classifications of pathogenicity. Review status: criteria provided, conflicting classifications (1 of 4 stars). 2 submissions from 2 submitters: Uncertain significance (1); Likely benign (1). Last evaluated 2025-06-18.

Conditions:
Familial thoracic aortic aneurysm and aortic dissection (TAAD). Also called: Thoracic aortic aneurysms and dissections. Identifiers: Orphanet 91387, MedGen C4707243, MONDO:0019625.
Ehlers-Danlos syndrome, classic type, 1 (EDSCL1). Also called: EHLERS-DANLOS SYNDROME, GRAVIS TYPE; EHLERS-DANLOS SYNDROME, SEVERE CLASSIC TYPE; Ehlers-Danlos syndrome, type 1; Ehlers-Danlos Syndrome, Classic Type, COL5A1-Related; EDS I. Identifiers: MedGen C0268335, MONDO:0019567, OMIM 130000.

gnomAD v4.1: 10 of 1,612,892 alleles (0.00062%); highest among the groups gnomAD compares: African/African-American, 0.0053%; no homozygotes.

Submissions (2):

Ambry Genetics
Classification: Uncertain significance for Familial thoracic aortic aneurysm and aortic dissection. Last evaluated: 2025-06-18. Review status: criteria provided, single submitter. Criteria: Ambry Variant Classification Scheme 2023. Collection method: clinical testing. Allele origin: germline.
Comment: The p.G1462S variant (also known as c.4384G>A), located in coding exon 56 of the COL5A1 gene, results from a G to A substitution at nucleotide position 4384. The glycine at codon 1462 is replaced by serine, an amino acid with similar properties. Internal structural analysis indicates that this alteration disrupts the characteristic G-X-Y motif of the triple helical domain in the COL5A1 protein and inserts a bulky side chain into a sterically-constrained region (Bella J et al. Science. 1994;266:75-81; Hohenester E et al. Proc. Natl. Acad. Sci.U.S.A. 2008;105:18273-7; Ambry internal data). Glycine substitutions in the triple helical domain of COL5A1 have been reported in association with classic Ehlers-Danlos syndrome (cEDS), but the number of affected individuals is limited and several other COL5A1 glycine substitutions in the triple helical domain (e.g., p.G1078A and p.G1414A) are too common for disease in population databases (Symoens S et al. Hum. Mutat., 2012 Oct;33:1485-93; Ritelli M et al. Orphanet J Rare Dis. 2013 Apr;8:58). This amino acid position is highly conserved in available vertebrate species. In addition, this alteration is predicted to be deleterious by in silico analysis. Based on the available evidence, the clinical significance of this variant remains unclear.

Labcorp Genetics (formerly Invitae), Labcorp
Classification: Likely benign for Ehlers-Danlos syndrome, classic type, 1. Last evaluated: 2024-12-23. Review status: criteria provided, single submitter. Criteria: Invitae Variant Classification Sherloc (09022015). Collection method: clinical testing. Allele origin: germline.